The following is an entry in ClinVar:

ClinVar aggregate classification (germline): Uncertain significance (1 of 4 stars; one submission).

Conditions:
Paroxysmal nonkinesigenic dyskinesia. Also called: Paroxysmal non-kinesigenic dyskinesia. Identifiers: Orphanet 98810, MedGen C1869117, MONDO:0700088.

gnomAD v4.1: 1 of 1,612,418 alleles (0.000062%); highest among the groups gnomAD compares: Non-Finnish European, 0.000085%; no homozygotes.

Submission:

Labcorp Genetics (formerly Invitae), Labcorp
Classification: Uncertain significance for Paroxysmal nonkinesigenic dyskinesia. Last evaluated: 2023-08-23. Review status: criteria provided, single submitter. Criteria: Invitae Variant Classification Sherloc (09022015). Collection method: clinical testing. Allele origin: germline.
Comment: This sequence change replaces leucine, which is neutral and non-polar, with proline, which is neutral and non-polar, at codon 286 of the PNKD protein (p.Leu286Pro). This variant is not present in population databases (gnomAD no frequency). This variant has not been reported in the literature in individuals affected with PNKD-related conditions. Advanced modeling of protein sequence and biophysical properties (such as structural, functional, and spatial information, amino acid conservation, physicochemical variation, residue mobility, and thermodynamic stability) performed at Invitae indicates that this missense variant is expected to disrupt PNKD protein function. In summary, the available evidence is currently insufficient to determine the role of this variant in disease. Therefore, it has been classified as a Variant of Uncertain Significance.

NM_015488.5(PNKD):c.857T>C (p.Leu286Pro)

Genes: CATIP-AS2 (CATIP antisense RNA 2; minus strand), PNKD (PNKD metallo-beta-lactamase domain containing; plus strand). Cytogenetic location: 2q35.
Variant type: single nucleotide variant.
Coding change: c.857T>C on transcript NM_015488.5 (MANE Select); coding-DNA position 857, T replaced by C.
Protein change: p.Leu286Pro; replaces leucine 286 with proline.
Molecular consequence: missense variant.
Genome position (GRCh38, 1-based): chr2:218,343,575, T>C. VCF-style: chr2-218343575-T-C. GRCh37 (hg19) VCF-style: chr2-219208298-T-C.
Other names: c.785T>C, p.Leu262Pro (NM_022572.5); short protein forms L262P, L286P.
Identifiers: ClinVar variation 2955978 (VCV002955978.3), dbSNP rs2469471303, ClinGen allele CA350542249.